The following is an entry in ClinVar:

NM_000093.5(COL5A1):c.1732A>T (p.Ser578Cys)

Gene: COL5A1 (collagen type V alpha 1 chain; plus strand). Cytogenetic location: 9q34.3.
Variant type: single nucleotide variant.
Coding change: c.1732A>T on transcript NM_000093.5 (MANE Select); coding-DNA position 1732, A replaced by T.
Protein change: p.Ser578Cys; replaces serine 578 with cysteine.
Molecular consequence: missense variant.
Genome position (GRCh38, 1-based): chr9:134,753,862, A>T. VCF-style: chr9-134753862-A-T. GRCh37 (hg19) VCF-style: chr9-137645708-A-T.
Other names: c.1732A>T, p.Ser578Cys (NM_001278074.1); short protein forms S578C.
Identifiers: ClinVar variation 4746096 (VCV004746096.1).

ClinVar aggregate classification (germline): Uncertain significance (1 of 4 stars; one submission).

Conditions:
Ehlers-Danlos syndrome, classic type, 1 (EDSCL1). Also called: EHLERS-DANLOS SYNDROME, GRAVIS TYPE; EHLERS-DANLOS SYNDROME, SEVERE CLASSIC TYPE; Ehlers-Danlos syndrome, type 1; Ehlers-Danlos Syndrome, Classic Type, COL5A1-Related; EDS I. Identifiers: MedGen C0268335, MONDO:0019567, OMIM 130000.

Submission:

Labcorp Genetics (formerly Invitae), Labcorp
Classification: Uncertain significance for Ehlers-Danlos syndrome, classic type, 1. Last evaluated: 2025-08-11. Review status: criteria provided, single submitter. Criteria: Invitae Variant Classification Sherloc (09022015). Collection method: clinical testing. Allele origin: germline.
Comment: This sequence change replaces serine, which is neutral and polar, with cysteine, which is neutral and slightly polar, at codon 578 of the COL5A1 protein (p.Ser578Cys). This variant is not present in population databases (gnomAD no frequency). This variant has not been reported in the literature in individuals affected with COL5A1-related conditions. Invitae Evidence Modeling of protein sequence and biophysical properties (such as structural, functional, and spatial information, amino acid conservation, physicochemical variation, residue mobility, and thermodynamic stability) indicates that this missense variant is not expected to disrupt COL5A1 protein function with a negative predictive value of 95%. In summary, the available evidence is currently insufficient to determine the role of this variant in disease. Therefore, it has been classified as a Variant of Uncertain Significance.